The following is an entry in ClinVar:

ClinVar aggregate classification (germline): Uncertain significance (1 of 4 stars; one submission).

Conditions:
Mitochondrial hypertrophic cardiomyopathy with lactic acidosis due to MTO1 deficiency. Also called: CARDIOMYOPATHY, INFANTILE HYPERTROPHIC MITOCHONDRIAL, AND LACTIC ACIDOSIS; Combined oxidative phosphorylation deficiency 10. Identifiers: Orphanet 314637, MedGen C4749921, MONDO:0013865, OMIM 614702.

Allele frequency attached by ClinVar (database versions not stated): gnomAD exomes 0.00001 and 0.00003; ExAC 0.00003.
gnomAD v4.1: 22 of 1,613,656 alleles (0.0014%); highest among the groups gnomAD compares: Admixed American, 0.0033%; no homozygotes.

Submission:

Labcorp Genetics (formerly Invitae), Labcorp
Classification: Uncertain significance for Mitochondrial hypertrophic cardiomyopathy with lactic acidosis due to MTO1 deficiency. Last evaluated: 2021-05-13. Review status: criteria provided, single submitter. Criteria: Invitae Variant Classification Sherloc (09022015). Collection method: clinical testing. Allele origin: germline.
Comment: In summary, the available evidence is currently insufficient to determine the role of this variant in disease. Therefore, it has been classified as a Variant of Uncertain Significance. Algorithms developed to predict the effect of missense changes on protein structure and function are either unavailable or do not agree on the potential impact of this missense change (SIFT: "Tolerated"; PolyPhen-2: "Probably Damaging"; Align-GVGD: "Class C0"). This variant has not been reported in the literature in individuals with MTO1-related conditions. This variant is present in population databases (rs749086310, ExAC 0.009%). This sequence change replaces alanine with threonine at codon 653 of the MTO1 protein (p.Ala653Thr). The alanine residue is highly conserved and there is a small physicochemical difference between alanine and threonine.

NM_012123.4(MTO1):c.1957G>A (p.Ala653Thr)

Gene: MTO1 (mitochondrial tRNA translation optimization 1; plus strand). Cytogenetic location: 6q13.
Variant type: single nucleotide variant.
Coding change: c.1957G>A on transcript NM_012123.4 (MANE Select); coding-DNA position 1957, G replaced by A.
Protein change: p.Ala653Thr; replaces alanine 653 with threonine.
Molecular consequence: missense variant.
Genome position (GRCh38, 1-based): chr6:73,500,613, G>A. VCF-style: chr6-73500613-G-A. GRCh37 (hg19) VCF-style: chr6-74210336-G-A.
Other names: c.2077G>A, p.Ala693Thr (NM_001123226.2); c.2032G>A, p.Ala678Thr (NM_133645.3); short protein forms A653T, A678T, A693T.
Identifiers: ClinVar variation 1403886 (VCV001403886.6), dbSNP rs749086310, ClinGen allele CA3889801.
Genomic context (GRCh38, chr6:73,500,613, plus strand): 5'-TCTTGTGGTATTGATTTTTAGATCGGGGCTGCTAGTCGCATACCCGGAGTAACACCTGCC[G>A]CCATCATCAATCTGCTGAGATTTGTGAAGACCACTCAACGAAGACAGTCGGCTATGAATG-3'
Protein context (NP_036255.2, residues 643-663): ASRIPGVTPA[Ala653Thr]IINLLRFVKT